The following is an entry in ClinVar:

NM_001458.5(FLNC):c.2191G>A (p.Val731Met)

Gene: FLNC (filamin C; plus strand). Cytogenetic location: 7q32.1.
Variant type: single nucleotide variant.
Coding change: c.2191G>A on transcript NM_001458.5 (MANE Select); coding-DNA position 2191, G replaced by A.
Protein change: p.Val731Met; replaces valine 731 with methionine.
Molecular consequence: missense variant.
Genome position (GRCh38, 1-based): chr7:128,842,300, G>A. VCF-style: chr7-128842300-G-A. GRCh37 (hg19) VCF-style: chr7-128482354-G-A.
Other names: c.2191G>A, p.Val731Met (NM_001127487.2); short protein forms V731M.
Identifiers: ClinVar variation 963671 (VCV000963671.18), dbSNP rs757110783, ClinGen allele CA4474634.

ClinVar aggregate classification (germline): Conflicting classifications of pathogenicity. Review status: criteria provided, conflicting classifications (1 of 4 stars). 4 submissions from 4 submitters: Uncertain significance (3); Likely benign (1). Last evaluated 2025-11-04.

Conditions:
Myofibrillar myopathy 5. Also called: Filaminopathy (type); FILAMINOPATHY, AUTOSOMAL DOMINANT. Identifiers: Orphanet 171445, MedGen C1836050, MONDO:0012289, OMIM 609524.
Distal myopathy with posterior leg and anterior hand involvement. Also called: WILLIAMS DISTAL MYOPATHY. Identifiers: Orphanet 63273, MedGen C3279722, MONDO:0013550, OMIM 614065.
Hypertrophic cardiomyopathy 26. Also called: Cardiomyopathy, familial hypertrophic, 26. Identifiers: Orphanet 75249, MedGen C4310749, MONDO:0014883, OMIM 617047.
Cardiovascular phenotype. Identifiers: MedGen CN230736.

Allele frequency attached by ClinVar (database versions not stated): gnomAD 0.00001; gnomAD exomes 0.00002; ExAC 0.00003; TOPMed 0.00003.
gnomAD v4.1: 8 of 1,613,740 alleles (0.0005%); highest among the groups gnomAD compares: African/African-American, 0.0053%; no homozygotes.

Submissions (4):

Labcorp Genetics (formerly Invitae), Labcorp
Classification: Likely benign for Distal myopathy with posterior leg and anterior hand involvement; Myofibrillar myopathy 5; Hypertrophic cardiomyopathy 26. Last evaluated: 2025-11-04. Review status: criteria provided, single submitter. Criteria: Invitae Variant Classification Sherloc (09022015). Collection method: clinical testing. Allele origin: germline.

Revvity Omics, Revvity
Classification: Uncertain significance. Last evaluated: 2025-06-16. Review status: criteria provided, single submitter. Criteria: ACMG Guidelines, 2015. Collection method: clinical testing. Allele origin: germline.

GeneDx
Classification: Uncertain significance. Last evaluated: 2024-10-08. Review status: criteria provided, single submitter. Criteria: GeneDx Variant Classification Process June 2021. Collection method: clinical testing. Allele origin: germline. Affected: yes.
Comment: Not observed at significant frequency in large population cohorts (gnomAD); In silico analysis indicates that this missense variant does not alter protein structure/function; Has not been previously published as pathogenic or benign to our knowledge

Ambry Genetics
Classification: Uncertain significance for Cardiovascular phenotype. Last evaluated: 2021-09-20. Review status: criteria provided, single submitter. Criteria: Ambry Variant Classification Scheme 2023. Collection method: clinical testing. Allele origin: germline.
Comment: The p.V731M variant (also known as c.2191G>A), located in coding exon 14 of the FLNC gene, results from a G to A substitution at nucleotide position 2191. The valine at codon 731 is replaced by methionine, an amino acid with highly similar properties. This amino acid position is conserved. In addition, the in silico prediction for this alteration is inconclusive. Since supporting evidence is limited at this time, the clinical significance of this alteration remains unclear.